The following is an entry in ClinVar:

NM_000038.6(APC):c.1312+1G>A

Gene: APC (APC regulator of Wnt signaling pathway; plus strand). Cytogenetic location: 5q22.2.
Variant type: single nucleotide variant.
Coding change: c.1312+1G>A on transcript NM_000038.6 (MANE Select); the canonical splice donor site of the intron after coding-DNA position 1312, G replaced by A.
Molecular consequence: splice donor variant.
Genome position (GRCh38, 1-based): chr5:112,819,345, G>A. VCF-style: chr5-112819345-G-A. GRCh37 (hg19) VCF-style: chr5-112155042-G-A.
Other names: c.463+1G>A (NM_001354906.2, NM_001407470.1); c.160+1G>A (NM_001407471.1, NM_001407472.1); c.1312+1G>A (NM_001354896.2, NM_001407447.1, NM_001354895.2 and 4 more transcripts); c.1009+1G>A (NM_001407454.1, NM_001354903.2, NM_001407456.1 and 5 more transcripts); c.1228+1G>A (NM_001354899.2, NM_001407452.1); c.925+1G>A (NM_001407467.1, NM_001407469.1); c.1135+1G>A (NM_001354900.2, NM_001354901.2, NM_001407453.1); c.832+1G>A (NM_001354905.2); and 5 more.
Identifiers: ClinVar variation 217923 (VCV000217923.23), dbSNP rs863225310, ClinGen allele CA279677.

ClinVar aggregate classification (germline): Pathogenic/Likely pathogenic. Review status: criteria provided, multiple submitters, no conflicts (2 of 4 stars). 6 submissions from 6 submitters: Pathogenic (3); Likely pathogenic (1). 2 of the submissions do not count toward it. Last evaluated 2026-06-26.

Conditions:
Hereditary cancer-predisposing syndrome. Also called: Tumor predisposition; Neoplastic Syndromes, Hereditary; Hereditary Cancer Syndrome; Hereditary neoplastic syndrome. Identifiers: Orphanet 140162, MedGen C0027672, MeSH D009386, MONDO:0015356.
Familial adenomatous polyposis 1 (FAP1). Also called: POLYPOSIS, ADENOMATOUS INTESTINAL; FAMILIAL ADENOMATOUS POLYPOSIS 1, ATTENUATED. Identifiers: MedGen C2713442, MONDO:0021056, OMIM 175100. Disease mechanism: loss of function.
Carcinoma of colon (CRC). Also called: Colonic carcinoma; Colon carcinoma. Identifiers: MedGen C0699790, MONDO:0002032.

Submissions (7):

Ambry Genetics
Classification: Pathogenic for Hereditary cancer-predisposing syndrome. Last evaluated: 2026-06-26. Review status: criteria provided, single submitter. Criteria: Ambry Variant Classification Scheme 2023. Collection method: clinical testing. Allele origin: germline.
Comment: The c.1312+1G>A intronic pathogenic mutation results from a G to A substitution one nucleotide after coding exon 9 of the APC gene. This alteration has been detected in multiple families with familial adenomatous polyposis (Ambry internal data; Gavert N et al, Hum. Mutat. 2002 Jun; 19(6):664; Kerr SE, J Mol Diagn 2013 Jan; 15(1):31-43). RNA studies have demonstrated that this variant results in abnormal splicing (Ambry internal data; Zhang S, Gene 2016 Feb; 577(2):187-92). In silico splice site analysis predicts that this alteration will weaken the native splice donor site. As such, this alteration is classified as a disease-causing mutation.

Labcorp Genetics (formerly Invitae), Labcorp
Classification: Pathogenic for Familial adenomatous polyposis 1. Last evaluated: 2025-04-22. Review status: criteria provided, single submitter. Criteria: Invitae Variant Classification Sherloc (09022015). Collection method: clinical testing. Allele origin: germline.
Comment: This sequence change affects a donor splice site in intron 10 of the APC gene. It is expected to disrupt RNA splicing. Variants that disrupt the donor or acceptor splice site typically lead to a loss of protein function (PMID: 16199547), and loss-of-function variants in APC are known to be pathogenic (PMID: 17963004, 20685668). This variant is not present in population databases (gnomAD no frequency). Disruption of this splice site has been observed in individual(s) with clinical features of familial adenomatous polyposis (PMID: 2007223, 23159591, 26625971). It has also been observed to segregate with disease in related individuals. ClinVar contains an entry for this variant (Variation ID: 217923). Algorithms developed to predict the effect of sequence changes on RNA splicing suggest that this variant may disrupt the consensus splice site. For these reasons, this variant has been classified as Pathogenic.

Myriad Genetics, Inc.
Classification: Likely pathogenic for Familial adenomatous polyposis 1. Last evaluated: 2023-05-01. Review status: criteria provided, single submitter. Criteria: Myriad Autosomal Dominant, Autosomal Recessive and X-Linked Classification Criteria (2023). Collection method: clinical testing. Allele origin: unknown.
Comment: This variant is considered likely pathogenic. This variant occurs within a consensus splice junction and is predicted to result in abnormal mRNA splicing of either an out-of-frame exon or an in-frame exon necessary for protein stability and/or normal function.

Baylor Genetics
Classification: Pathogenic for Familial adenomatous polyposis 1. Last evaluated: 2021-11-23. Review status: criteria provided, single submitter. Criteria: ACMG Guidelines, 2015. Collection method: clinical testing. Allele origin: unknown.

Department of Pathology and Laboratory Medicine, Sinai Health System
Classification: Pathogenic for Carcinoma of colon. Review status: no assertion criteria provided. Collection method: clinical testing. Allele origin: unknown. Affected: yes. Study: The Canadian Open Genetics Repository (COGR). Not counted in ClinVar's aggregate classification.
Comment: The APC c.1312+1G>A variant was identified in 3 of 3324 proband chromosomes (frequency: 0.001) from individuals or families with FAP, and was not identified in 100 control chromosomes from healthy individuals (Gavert 2002, Kerr 2013). The variant was also identified in dbSNP (ID: rs863225310) as â€šÃ„ÃºWith Pathogenic alleleâ€šÃ„Ã¹, InSiGHT Colon Cancer Gene Variant Database (LOVD), ClinVar database (classified as pathogenic by Mayo Clinic). The variant was not identified in the 1000 Genomes Project, the NHLBI Exome Sequencing Project, the Exome Aggregation Consortium, the genome Aggregation Database (beta), Clinvitae database (classifications), COSMIC, Zhejiang Colon Cancer Database (LOVD), GeneInsight - COGR database and UMD database. The c.1312+1G>A variant is predicted to cause abnormal splicing because the nucleotide substitution occurs in the invariant region of the splice consensus sequence. In addition, 5 of 5 in silico or computational prediction software programs (SpliceSiteFinder, MaxEntScan, NNSPLICE, GeneSplicer, HumanSpliceFinder) predict a greater than 10% difference in splicing. In summary, based on the above information, this variant meets our laboratoryâ€šÃ„Ã´s criteria to be classified as pathogenic.

Dr. Peter K. Rogan Lab, Western University
No classification provided (evidence only). Condition: Colorectal cancer. Review status: no classification provided. Collection method: in vitro. Allele origin: not applicable. Functional consequence: retained intron. Not counted in ClinVar's aggregate classification.

Mayo Clinic Laboratories, Mayo Clinic
Classification: Pathogenic. Review status: no assertion criteria provided. Collection method: research. Allele origin: unknown. Observed: 1 variant allele. Not counted in ClinVar's aggregate classification.

Literature cited by the submitters: PubMed 12007223 (cited by Ambry Genetics); PubMed 23159591 (cited by Ambry Genetics and Labcorp Genetics (formerly Invitae), Labcorp); PubMed 26625971 (cited by Ambry Genetics and Labcorp Genetics (formerly Invitae), Labcorp); PubMed 16199547 (cited by Labcorp Genetics (formerly Invitae), Labcorp); PubMed 17963004 (cited by Labcorp Genetics (formerly Invitae), Labcorp); PubMed 20685668 (cited by Labcorp Genetics (formerly Invitae), Labcorp); PubMed 2007223 (cited by Labcorp Genetics (formerly Invitae), Labcorp).